The following is an entry in ClinVar:

NM_020975.6(RET):c.1176C>T (p.His392=)

Gene: RET (ret proto-oncogene; plus strand). Cytogenetic location: 10q11.21.
Variant type: single nucleotide variant.
Coding change: c.1176C>T on transcript NM_020975.6 (MANE Select); coding-DNA position 1176, C replaced by T.
Protein change: p.His392=; no amino-acid change (histidine 392 retained).
Molecular consequence: synonymous variant. On other transcripts: intron variant (18).
Genome position (GRCh38, 1-based): chr10:43,109,143, C>T. VCF-style: chr10-43109143-C-T. GRCh37 (hg19) VCF-style: chr10-43604591-C-T.
Other names: c.1176C>T, p.His392= (NM_000323.2, NM_001406743.1, NM_001406744.1 and 6 more transcripts); c.414C>T, p.His138= (NM_001355216.2); c.1047C>T, p.His349= (NM_001406761.1, NM_001406762.1, NM_001406764.1 and 1 more transcripts); c.888C>T, p.His296= (NM_001406766.1, NM_001406767.1, NM_001406770.1); c.738C>T, p.His246= (NM_001406771.1, NM_001406773.1); c.450C>T, p.His150= (NM_001406775.1, NM_001406776.1, NM_001406777.1 and 1 more transcripts); c.186C>T, p.His62= (NM_001406784.1); c.868-2064C>T (NM_001406772.1, NM_001406769.1); and 5 more.
Identifiers: ClinVar variation 1122790 (VCV001122790.15), dbSNP rs1193035007, ClinGen allele CA469025832.

ClinVar aggregate classification (germline): Likely benign. Review status: criteria provided, multiple submitters, no conflicts (2 of 4 stars). 3 submissions from 3 submitters: Likely benign (3). Last evaluated 2026-03-01.

Conditions:
Hereditary cancer-predisposing syndrome. Also called: Tumor predisposition; Hereditary neoplastic syndrome; Hereditary Cancer Syndrome; Neoplastic Syndromes, Hereditary. Identifiers: Orphanet 140162, MedGen C0027672, MeSH D009386, MONDO:0015356.
Multiple endocrine neoplasia, type 2 (MEN2). Identifiers: Orphanet 653, MedGen C4048306, MONDO:0019003. Disease mechanism: gain of function.

Allele frequency attached by ClinVar (database versions not stated): gnomAD exomes below 0.00001; TOPMed 0.00001.
gnomAD v4.1: 2 of 1,613,916 alleles (0.00012%); highest among the groups gnomAD compares: African/African-American, 0.0013%; no homozygotes.

Submissions (3):

CeGaT Center for Human Genetics Tuebingen
Classification: Likely benign. Last evaluated: 2026-03-01. Review status: criteria provided, single submitter. Criteria: CeGaT Center For Human Genetics Tuebingen Variant Classification Criteria Version 2. Collection method: clinical testing. Allele origin: germline. Affected: yes. Observed: 1 variant allele.
Comment: RET: BP4, BP7

Labcorp Genetics (formerly Invitae), Labcorp
Classification: Likely benign for Multiple endocrine neoplasia, type 2. Last evaluated: 2024-11-05. Review status: criteria provided, single submitter. Criteria: Invitae Variant Classification Sherloc (09022015). Collection method: clinical testing. Allele origin: germline.

Ambry Genetics
Classification: Likely benign for Hereditary cancer-predisposing syndrome. Last evaluated: 2022-11-24. Review status: criteria provided, single submitter. Criteria: Ambry Variant Classification Scheme 2023. Collection method: clinical testing. Allele origin: germline.